The following is an entry in ClinVar:

NM_001128840.3(CACNA1D):c.6335G>A (p.Arg2112His)

Gene: CACNA1D (calcium voltage-gated channel subunit alpha1 D; plus strand). Cytogenetic location: 3p21.1.
Variant type: single nucleotide variant.
Coding change: c.6335G>A on transcript NM_001128840.3 (MANE Select); coding-DNA position 6335, G replaced by A.
Protein change: p.Arg2112His; replaces arginine 2112 with histidine.
Molecular consequence: missense variant.
Genome position (GRCh38, 1-based): chr3:53,811,255, G>A. VCF-style: chr3-53811255-G-A. GRCh37 (hg19) VCF-style: chr3-53845282-G-A.
Other names: c.6395G>A, p.Arg2132His (NM_000720.4); c.6263G>A, p.Arg2088His (NM_001128839.3); short protein forms R2088H, R2132H, R2112H.
Identifiers: ClinVar variation 4709204 (VCV004709204.1).

ClinVar aggregate classification (germline): Uncertain significance (1 of 4 stars; one submission).

gnomAD v4.1: 12 of 1,613,846 alleles (0.00074%); highest among the groups gnomAD compares: South Asian, 0.0022%; no homozygotes.

Submission:

Labcorp Genetics (formerly Invitae), Labcorp
Classification: Uncertain significance. Last evaluated: 2025-12-21. Review status: criteria provided, single submitter. Criteria: Invitae Variant Classification Sherloc (09022015). Collection method: clinical testing. Allele origin: germline.
Comment: This sequence change replaces arginine, which is basic and polar, with histidine, which is basic and polar, at codon 2132 of the CACNA1D protein (p.Arg2132His). This variant is present in population databases (no rsID available, gnomAD 0.007%). This variant has not been reported in the literature in individuals affected with CACNA1D-related conditions. An algorithm developed to predict the effect of missense changes on protein structure and function outputs the following: PolyPhen-2: "Benign". The histidine amino acid residue is found in multiple mammalian species, which suggests that this missense change does not adversely affect protein function. In summary, the available evidence is currently insufficient to determine the role of this variant in disease. Therefore, it has been classified as a Variant of Uncertain Significance.